The following is an entry in ClinVar:

ClinVar aggregate classification (germline): Uncertain significance (1 of 4 stars; one submission).

Conditions:
Primary ciliary dyskinesia 23 (CILD23). Also called: CILIARY DYSKINESIA, PRIMARY, 23, WITH OR WITHOUT SITUS INVERSUS. Identifiers: Orphanet 244, MedGen C3809548, MONDO:0014193, OMIM 615451.

Submission:

Labcorp Genetics (formerly Invitae), Labcorp
Classification: Uncertain significance for Primary ciliary dyskinesia 23. Last evaluated: 2016-01-01. Review status: criteria provided, single submitter. Criteria: Invitae Variant Classification Sherloc (09022015). Collection method: clinical testing. Allele origin: germline.
Comment: This sequence change replaces glutamic acid with valine at codon 759 of the ARMC4 protein (p.Glu759Val). The glutamic acid residue is moderately conserved and there is a moderate physicochemical difference between glutamic acid and valine. This variant is not present in population databases (ExAC no frequency) and has not been reported in the literature in individuals with a ARMC4-related disease. Algorithms developed to predict the effect of missense changes on protein structure and function do not agree on the potential impact of this missense change (SIFT: "Tolerated"; PolyPhen-2: "Probably Damaging"; Align-GVGD: "Class C0"). In summary, this is a novel missense change with uncertain impact on protein function. It has been classified as a Variant of Uncertain Significance.

NM_018076.5(ODAD2):c.2276A>T (p.Glu759Val)

Gene: ODAD2 (outer dynein arm docking complex subunit 2; minus strand). Cytogenetic location: 10p12.1.
Variant type: single nucleotide variant.
Coding change: c.2276A>T on transcript NM_018076.5 (MANE Select); coding-DNA position 2276, A replaced by T.
Protein change: p.Glu759Val; replaces glutamic acid 759 with valine.
Molecular consequence: missense variant.
Genome position (GRCh38, 1-based): chr10:27,935,229, T>A on the plus strand (A>T on the coding strand, the complement: ODAD2 is on the minus strand). VCF-style: chr10-27935229-T-A. GRCh37 (hg19) VCF-style: chr10-28224158-T-A.
Other names: c.2276A>T, p.Glu759Val (NM_001290020.2); c.851A>T, p.Glu284Val (NM_001290021.2); c.1352A>T, p.Glu451Val (NM_001312689.2); short protein forms E759V, E284V, E451V.
Identifiers: ClinVar variation 241260 (VCV000241260.8), dbSNP rs878855047, ClinGen allele CA10582717.